The following is an entry in ClinVar:

ClinVar aggregate classification (germline): Uncertain significance (1 of 4 stars; one submission).

gnomAD v4.1: 4 of 1,612,106 alleles (0.00025%); highest among the groups gnomAD compares: Non-Finnish European, 0.00034%; no homozygotes.

Submission:

GeneDx
Classification: Uncertain significance. Last evaluated: 2026-02-06. Review status: criteria provided, single submitter. Criteria: GeneDx Variant Classification Process June 2021. Collection method: clinical testing. Allele origin: germline.
Comment: Not observed at significant frequency in large population cohorts (gnomAD); In silico analysis supports that this missense variant has a deleterious effect on protein structure/function; Has not been previously published as pathogenic or benign to our knowledge

NM_005993.5(TBCD):c.3356A>G (p.His1119Arg)

Gene: TBCD (tubulin folding cofactor D). Cytogenetic location: 17q25.3.
Variant type: single nucleotide variant.
Coding change: c.3356A>G on transcript NM_005993.5 (MANE Select); coding-DNA position 3356, A replaced by G.
Protein change: p.His1119Arg; replaces histidine 1119 with arginine.
Molecular consequence: missense variant.
Genome position (GRCh38, 1-based): chr17:82,938,123, A>G. VCF-style: chr17-82938123-A-G. GRCh37 (hg19) VCF-style: chr17-80895999-A-G.
Other names: c.3305A>G, p.His1102Arg (NM_001411101.1); c.3275A>G, p.His1092Arg (NM_001411102.1); short protein forms H1092R, H1102R, H1119R.
Identifiers: ClinVar variation 3361802 (VCV003361802.2).